The following is an entry in ClinVar:

ClinVar aggregate classification (germline): Uncertain significance. Review status: criteria provided, multiple submitters, no conflicts (2 of 4 stars). 2 submissions from 2 submitters: Uncertain significance (2). Last evaluated 2021-08-27.

Conditions:
Metaphyseal chondrodysplasia, McKusick type (CHH). Also called: Cartilage-Hair Hypoplasia (CHH); Cartilage-hair hypoplasia. Identifiers: Orphanet 175, MedGen C0220748, MONDO:0009595, OMIM 250250.
Anauxetic dysplasia 1 (ANXD1). Also called: Anauxetic Dysplasia (AD). Identifiers: Orphanet 93347, MedGen C4551965, MONDO:0054560, OMIM 607095.
Metaphyseal dysplasia without hypotrichosis. Also called: CARTILAGE-HAIR HYPOPLASIA VARIANT, SKELETAL MANIFESTATIONS ONLY; CARTILAGE-HAIR HYPOPLASIA-LIKE SKELETAL DYSPLASIA WITHOUT HYPOTRICHOSIS OR IMMUNODEFICIENCY; Metaphyseal Dysplasia without Hypotrichosis (MDWH). Identifiers: MedGen C1834821, MONDO:0009601, OMIM 250460.
Anauxetic dysplasia. Identifiers: Orphanet 93347, MedGen C1846796, MONDO:0011773.

Allele frequency attached by ClinVar (database versions not stated): gnomAD exomes 0.00001.
gnomAD v4.1: 4 of 700,478 alleles (0.00057%); highest among the groups gnomAD compares: Admixed American, 0.002%; no homozygotes.

Submissions (2):

Fulgent Genetics
Classification: Uncertain significance for Metaphyseal chondrodysplasia, McKusick type; Metaphyseal dysplasia without hypotrichosis; Anauxetic dysplasia 1. Last evaluated: 2021-08-27. Review status: criteria provided, single submitter. Criteria: ACMG Guidelines, 2015. Collection method: clinical testing. Allele origin: unknown.

Labcorp Genetics (formerly Invitae), Labcorp
Classification: Uncertain significance for Anauxetic dysplasia. Last evaluated: 2021-04-12. Review status: criteria provided, single submitter. Criteria: Invitae Variant Classification Sherloc (09022015). Collection method: clinical testing. Allele origin: germline.
Comment: This variant occurs in the RMRP gene, which encodes an RNA molecule that does not result in a protein product. The frequency data for this variant in the population databases is considered unreliable, as metrics indicate insufficient coverage at this position in the ExAC database. This variant has not been reported in the literature in individuals with RMRP-related conditions. ClinVar contains an entry for this variant (Variation ID: 1020567). Experimental studies and prediction algorithms are not available or were not evaluated, and the functional significance of this variant is currently unknown. In summary, the available evidence is currently insufficient to determine the role of this variant in disease. Therefore, it has been classified as a Variant of Uncertain Significance.

NR_003051.4(RMRP):n.134C>T

Gene: RMRP (RNA component of mitochondrial RNA processing endoribonuclease; minus strand). Cytogenetic location: 9p13.3.
Variant type: single nucleotide variant.
Genome position: GRCh38 VCF-style: chr9-35657886-G-A. GRCh37 (hg19) VCF-style: chr9-35657883-G-A.
Identifiers: ClinVar variation 1020567 (VCV001020567.5), dbSNP rs1587918293, ClinGen allele CA464450730.
Genomic context (GRCh38, chr9:35,657,886, plus strand): 5'-GGATGACGCCCCCGCGCCACGCCGCTCAGCGGGATACGCTTCTTGGCGGACTTTGGAGTG[G>A]GAAGCGGGGAATGTCTACGTGCGTATGCACGTGGCACTCTCTGCCCGAGGTCCGGGGACT-3'